The following is an entry in ClinVar:

NM_006946.4(SPTBN2):c.1522A>C (p.Asn508His)

Gene: SPTBN2 (spectrin beta, non-erythrocytic 2; minus strand). Cytogenetic location: 11q13.2.
Variant type: single nucleotide variant.
Coding change: c.1522A>C on transcript NM_006946.4 (MANE Select); coding-DNA position 1522, A replaced by C.
Protein change: p.Asn508His; replaces asparagine 508 with histidine.
Molecular consequence: missense variant.
Genome position (GRCh38, 1-based): chr11:66,707,647, T>G on the plus strand (A>C on the coding strand, the complement: SPTBN2 is on the minus strand). VCF-style: chr11-66707647-T-G. GRCh37 (hg19) VCF-style: chr11-66475118-T-G.
Other names: c.1522A>C (NM_006946.2); short protein forms N508H.
Identifiers: ClinVar variation 1298298 (VCV001298298.8), dbSNP rs767775507, ClinGen allele CA6129343.

ClinVar aggregate classification (germline): Conflicting classifications of pathogenicity. Review status: criteria provided, conflicting classifications (1 of 4 stars). 4 submissions from 4 submitters: Uncertain significance (1); Likely benign (2). 1 of the submissions does not count toward it. Last evaluated 2024-07-12.

Conditions:
Spinocerebellar ataxia type 5 (SCA5). Identifiers: Orphanet 98766, MedGen C0752123, MONDO:0010848, OMIM 600224.

Allele frequency attached by ClinVar (database versions not stated): gnomAD exomes 0.00001 and 0.00005; gnomAD 0.00005; ExAC 0.00006; TOPMed 0.00010.
gnomAD v4.1: 44 of 1,608,856 alleles (0.0027%); highest among the groups gnomAD compares: East Asian, 0.029%; no homozygotes.

Submissions (4):

Athena Diagnostics
Classification: Likely benign. Last evaluated: 2024-07-12. Review status: criteria provided, single submitter. Criteria: Athena Diagnostics Criteria. Collection method: clinical testing. Allele origin: unknown.

Labcorp Genetics (formerly Invitae), Labcorp
Classification: Likely benign. Last evaluated: 2023-03-25. Review status: criteria provided, single submitter. Criteria: Invitae Variant Classification Sherloc (09022015). Collection method: clinical testing. Allele origin: germline.

GeneDx
Classification: Uncertain significance. Last evaluated: 2022-11-22. Review status: criteria provided, single submitter. Criteria: GeneDx Variant Classification Process June 2021. Collection method: clinical testing. Allele origin: germline. Affected: yes.
Comment: Variant predicted to have a minor impact on beta-III spectrin protein structure in published literature (Ghorbani et al., 2022); however, no functional studies were performed for this variant; In silico analysis supports that this missense variant has a deleterious effect on protein structure/function; This variant is associated with the following publications: (PMID: 35401678)

O&I group, Department of Genetics, University Medical Center of Groningen
Classification: Uncertain significance for Spinocerebellar ataxia type 5. Last evaluated: 2021-07-22. Review status: no assertion criteria provided. Collection method: research. Allele origin: unknown. Not counted in ClinVar's aggregate classification.

Literature cited by the submitters: PubMed 35401678 (cited by Athena Diagnostics); DOI 10.3389/fgene.2022.782685 (cited by O&I group, Department of Genetics, University Medical Center of Groningen).